The following is an entry in ClinVar:

NM_000291.4(PGK1):c.1213+92G>A

Gene: PGK1 (phosphoglycerate kinase 1; plus strand). Cytogenetic location: Xq21.1.
Variant type: single nucleotide variant.
Coding change: c.1213+92G>A on transcript NM_000291.4 (MANE Select); 92 bases into the intron after coding-DNA position 1213, G replaced by A.
Molecular consequence: intron variant.
Genome position (GRCh38, 1-based): chrX:78,125,517, G>A. VCF-style: chrX-78125517-G-A. GRCh37 (hg19) VCF-style: chrX-77381014-G-A.
Other names: NC_000023.10:g.77381014G>A.
Identifiers: ClinVar variation 667851 (VCV000667851.3), dbSNP rs2073178, ClinGen allele CA15009068.
Genomic context (GRCh38, chrX:78,125,517, plus strand): 5'-GATAAGGGTGGACTGTGCAGTGAGAGGTGGGTAGAATGGAGTGGAGAAAGTTAGAAGGTA[G>A]TGTTGTCATTAGCAGTCATTACTACCTGGGCAGTACAGAGGAACTTCAGATAAAGCTCCT-3'

ClinVar aggregate classification (germline): Benign. Review status: criteria provided, multiple submitters, no conflicts (2 of 4 stars). 2 submissions from 2 submitters: Benign (2). Last evaluated 2018-06-19.

Allele frequency attached by ClinVar (database versions not stated): 1000 Genomes Project 0.34649; gnomAD exomes 0.24893; gnomAD 0.26216; TOPMed 0.28111; 1000 Genomes Project 30x 0.34339.
gnomAD v4.1: 158,396 of 627,264 alleles (25%); highest among the groups gnomAD compares: East Asian, 41%; 14,422 homozygotes.

Submissions (7):

GeneDx
Classification: Benign. Last evaluated: 2018-06-19. Review status: criteria provided, single submitter. Criteria: GeneDx Variant Classification (06012015). Collection method: clinical testing. Allele origin: germline. Affected: yes.
Comment: This variant is considered likely benign or benign based on one or more of the following criteria: it is a conservative change, it occurs at a poorly conserved position in the protein, it is predicted to be benign by multiple in silico algorithms, and/or has population frequency not consistent with disease.

Breakthrough Genomics
Classification: Benign. Review status: criteria provided, single submitter. Criteria: ACMG Guidelines, 2015. Collection method: not provided. Allele origin: germline. Inheritance: X-linked inheritance. Affected: yes.

Dr. Peter K. Rogan Lab, Western University
No classification provided (evidence only). Condition: Malignant lymphoma, large B-cell, diffuse. Review status: no classification provided. Collection method: in vitro. Allele origin: not applicable. Functional consequence: retained intron. Not counted in ClinVar's aggregate classification.

Dr. Peter K. Rogan Lab, Western University
No classification provided (evidence only). Condition: Malignant lymphoma, large B-cell, diffuse. Review status: no classification provided. Collection method: in vitro. Allele origin: not applicable. Functional consequence: retained intron. Not counted in ClinVar's aggregate classification.

Dr. Peter K. Rogan Lab, Western University
No classification provided (evidence only). Condition: Malignant lymphoma, large B-cell, diffuse. Review status: no classification provided. Collection method: in vitro. Allele origin: not applicable. Functional consequence: retained intron. Not counted in ClinVar's aggregate classification.

Dr. Peter K. Rogan Lab, Western University
No classification provided (evidence only). Condition: Malignant lymphoma, large B-cell, diffuse. Review status: no classification provided. Collection method: in vitro. Allele origin: not applicable. Functional consequence: retained intron. Not counted in ClinVar's aggregate classification.

Dr. Peter K. Rogan Lab, Western University
No classification provided (evidence only). Condition: Uveal melanoma. Review status: no classification provided. Collection method: in vitro. Allele origin: not applicable. Functional consequence: retained intron. Not counted in ClinVar's aggregate classification.